The following is an entry in ClinVar:

NM_000465.4(BARD1):c.2295C>G (p.Asp765Glu)

Gene: BARD1 (BRCA1 associated RING domain 1; minus strand). Cytogenetic location: 2q35.
Variant type: single nucleotide variant.
Coding change: c.2295C>G on transcript NM_000465.4 (MANE Select); coding-DNA position 2295, C replaced by G.
Protein change: p.Asp765Glu; replaces aspartic acid 765 with glutamic acid.
Molecular consequence: missense variant. On other transcripts: non-coding transcript variant (3).
Genome position (GRCh38, 1-based): chr2:214,728,715, G>C on the plus strand (C>G on the coding strand, the complement: BARD1 is on the minus strand). VCF-style: chr2-214728715-G-C. GRCh37 (hg19) VCF-style: chr2-215593439-G-C.
Other names: c.2238C>G, p.Asp746Glu (NM_001282543.2); c.942C>G, p.Asp314Glu (NM_001282545.2); c.885C>G, p.Asp295Glu (NM_001282548.2); c.756C>G, p.Asp252Glu (NM_001282549.2); short protein forms D252E, D295E, D746E, D765E, D314E.
Identifiers: ClinVar variation 2849404 (VCV002849404.3), dbSNP rs1692192527, ClinGen allele CA350449831.

ClinVar aggregate classification (germline): Uncertain significance (1 of 4 stars; one submission).

Conditions:
Familial cancer of breast. Also called: BREAST CANCER, FAMILIAL; hereditary breast carcinoma; Hereditary breast cancer. Identifiers: Orphanet 227535, MedGen C0346153, MONDO:0016419, OMIM 114480. Disease mechanism: loss of function.

Submission:

Labcorp Genetics (formerly Invitae), Labcorp
Classification: Uncertain significance for Familial cancer of breast. Last evaluated: 2023-05-31. Review status: criteria provided, single submitter. Criteria: Invitae Variant Classification Sherloc (09022015). Collection method: clinical testing. Allele origin: germline.
Comment: This sequence change replaces aspartic acid, which is acidic and polar, with glutamic acid, which is acidic and polar, at codon 765 of the BARD1 protein (p.Asp765Glu). This variant is not present in population databases (gnomAD no frequency). This variant has not been reported in the literature in individuals affected with BARD1-related conditions. An algorithm developed to predict the effect of missense changes on protein structure and function (PolyPhen-2) suggests that this variant is likely to be tolerated. In summary, the available evidence is currently insufficient to determine the role of this variant in disease. Therefore, it has been classified as a Variant of Uncertain Significance.